The following is an entry in ClinVar:

ClinVar aggregate classification (germline): Uncertain significance (1 of 4 stars; one submission).

gnomAD v4.1: 15 of 1,614,060 alleles (0.00093%); highest among the groups gnomAD compares: Non-Finnish European, 0.0013%; no homozygotes.

Submission:

GeneDx
Classification: Uncertain significance. Last evaluated: 2025-04-03. Review status: criteria provided, single submitter. Criteria: GeneDx Variant Classification Process June 2021. Collection method: clinical testing. Allele origin: germline.
Comment: Not observed at significant frequency in large population cohorts (gnomAD); In silico analysis indicates that this missense variant does not alter protein structure/function; Has not been previously published as pathogenic or benign to our knowledge

NM_001378454.1(ALMS1):c.5796G>T (p.Glu1932Asp)

Gene: ALMS1 (ALMS1 centrosome and basal body associated protein; plus strand). Cytogenetic location: 2p13.1.
Variant type: single nucleotide variant.
Coding change: c.5796G>T on transcript NM_001378454.1 (MANE Select); coding-DNA position 5796, G replaced by T.
Protein change: p.Glu1932Asp; replaces glutamic acid 1932 with aspartic acid.
Molecular consequence: missense variant.
Genome position (GRCh38, 1-based): chr2:73,452,323, G>T. VCF-style: chr2-73452323-G-T. GRCh37 (hg19) VCF-style: chr2-73679450-G-T.
Other names: c.5799G>T, p.Glu1933Asp (NM_015120.4); short protein forms E1932D, E1933D.
Identifiers: ClinVar variation 2576748 (VCV002576748.2), dbSNP rs2466106461, ClinGen allele CA347283336.